The following is an entry in ClinVar:

ClinVar aggregate classification (germline): Pathogenic (1 of 4 stars; one submission).

Conditions:
Familial cancer of breast. Also called: Hereditary breast cancer; BREAST CANCER, FAMILIAL; hereditary breast carcinoma. Identifiers: Orphanet 227535, MedGen C0346153, MONDO:0016419, OMIM 114480. Disease mechanism: loss of function.

Submission:

Myriad Genetics, Inc.
Classification: Pathogenic for Familial cancer of breast. Last evaluated: 2023-05-22. Review status: criteria provided, single submitter. Criteria: Myriad Autosomal Dominant, Autosomal Recessive and X-Linked Classification Criteria (2023). Collection method: clinical testing. Allele origin: unknown.
Comment: This variant is considered pathogenic. This variant creates a frameshift predicted to result in premature protein truncation.

NM_000465.4(BARD1):c.1168_1169insG (p.Leu390fs)

Gene: BARD1 (BRCA1 associated RING domain 1; minus strand). Cytogenetic location: 2q35.
Variant type: Insertion.
Coding change: c.1168_1169insG on transcript NM_000465.4 (MANE Select); coding-DNA positions 1168 to 1169, G inserted.
Protein change: p.Leu390fs; shifts the reading frame from leucine 390.
Molecular consequence: frameshift variant. On other transcripts: non-coding transcript variant (2), intron variant (3).
Genome position: GRCh38 VCF-style: chr2-214780705-A-AC. GRCh37 (hg19) VCF-style: chr2-215645429-A-AC.
Other names: c.1111_1112insG, p.Leu371fs (NM_001282543.2); c.159-28151_159-28150insG (NM_001282548.2); c.215+16355_215+16356insG (NM_001282545.2); c.364+11591_364+11592insG (NM_001282549.2); short protein forms L371fs, L390fs.
Identifiers: ClinVar variation 2583407 (VCV002583407.2), dbSNP rs2469502770, ClinGen allele CA2582342096.
Genomic context (GRCh38, chr2:214,780,705, plus strand): 5'-CTAGACATCACTCGCCTGTAACTTGAACTACTTAATGTAGAAGGTGGTGTACCTGGTGAA[A>AC]GACTAATGAATTCATCGGACATGTTACTGTTTTTCCTCCCTGATGTACCACCAACTTTAC-3'